The following is an entry in ClinVar:

ClinVar aggregate classification (germline): Pathogenic (1 of 4 stars; one submission).

Conditions:
Hereditary cancer-predisposing syndrome. Also called: Tumor predisposition; Hereditary Cancer Syndrome; Hereditary neoplastic syndrome; Neoplastic Syndromes, Hereditary. Identifiers: Orphanet 140162, MedGen C0027672, MeSH D009386, MONDO:0015356.

Submission:

Ambry Genetics
Classification: Pathogenic for Hereditary cancer-predisposing syndrome. Last evaluated: 2024-04-12. Review status: criteria provided, single submitter. Criteria: Ambry Variant Classification Scheme 2023. Collection method: clinical testing. Allele origin: germline.
Comment: The p.Y95* pathogenic mutation (also known as c.285T>G), located in coding exon 2 of the FLCN gene, results from a T to G substitution at nucleotide position 285. This changes the amino acid from a tyrosine to a stop codon within coding exon 2. This variant is considered to be rare based on population cohorts in the Genome Aggregation Database (gnomAD). This alteration is expected to result in loss of function by premature protein truncation or nonsense-mediated mRNA decay. As such, this alteration is interpreted as a disease-causing mutation.

NM_144997.7(FLCN):c.285T>G (p.Tyr95Ter)

Gene: FLCN (folliculin; minus strand). Cytogenetic location: 17p11.2.
Variant type: single nucleotide variant.
Coding change: c.285T>G on transcript NM_144997.7 (MANE Select); coding-DNA position 285, T replaced by G.
Protein change: p.Tyr95Ter; replaces tyrosine 95 with a stop codon.
Molecular consequence: nonsense.
Genome position (GRCh38, 1-based): chr17:17,226,287, A>C on the plus strand (T>G on the coding strand, the complement: FLCN is on the minus strand). VCF-style: chr17-17226287-A-C. GRCh37 (hg19) VCF-style: chr17-17129601-A-C.
Other names: c.285T>G, p.Tyr95Ter (NM_001353229.2, NM_001353230.2, NM_001353231.2 and 1 more transcripts); short protein forms Y95*.
Identifiers: ClinVar variation 3279019 (VCV003279019.1).